The following is an entry in ClinVar:

ClinVar aggregate classification (germline): Uncertain significance. Review status: criteria provided, multiple submitters, no conflicts (2 of 4 stars). 2 submissions from 2 submitters: Uncertain significance (2). Last evaluated 2023-04-30.

Conditions:
Hereditary cancer-predisposing syndrome. Also called: Hereditary neoplastic syndrome; Neoplastic Syndromes, Hereditary; Tumor predisposition; Hereditary Cancer Syndrome. Identifiers: Orphanet 140162, MedGen C0027672, MeSH D009386, MONDO:0015356.

Allele frequency attached by ClinVar (database versions not stated): gnomAD exomes below 0.00001.
gnomAD v4.1: 2 of 1,611,684 alleles (0.00012%); highest among the groups gnomAD compares: Non-Finnish European, 0.00017%; no homozygotes.

Submissions (2):

Ambry Genetics
Classification: Uncertain significance for Hereditary cancer-predisposing syndrome. Last evaluated: 2023-04-30. Review status: criteria provided, single submitter. Criteria: Ambry Variant Classification Scheme 2023. Collection method: clinical testing. Allele origin: germline.
Comment: The p.T730A variant (also known as c.2188A>G), located in coding exon 14 of the CTNNA1 gene, results from an A to G substitution at nucleotide position 2188. The threonine at codon 730 is replaced by alanine, an amino acid with similar properties. This amino acid position is conserved. In addition, the in silico prediction for this alteration is inconclusive. Since supporting evidence is limited at this time, the clinical significance of this alteration remains unclear.

Labcorp Genetics (formerly Invitae), Labcorp
Classification: Uncertain significance. Last evaluated: 2022-04-01. Review status: criteria provided, single submitter. Criteria: Invitae Variant Classification Sherloc (09022015). Collection method: clinical testing. Allele origin: germline.
Comment: In summary, the available evidence is currently insufficient to determine the role of this variant in disease. Therefore, it has been classified as a Variant of Uncertain Significance. Algorithms developed to predict the effect of missense changes on protein structure and function are either unavailable or do not agree on the potential impact of this missense change (SIFT: "Deleterious"; PolyPhen-2: "Possibly Damaging"; Align-GVGD: "Class C0"). This variant has not been reported in the literature in individuals affected with CTNNA1-related conditions. This variant is not present in population databases (gnomAD no frequency). This sequence change replaces threonine, which is neutral and polar, with alanine, which is neutral and non-polar, at codon 730 of the CTNNA1 protein (p.Thr730Ala).

NM_001903.5(CTNNA1):c.2188A>G (p.Thr730Ala)

Gene: CTNNA1 (catenin alpha 1; plus strand). Cytogenetic location: 5q31.2.
Variant type: single nucleotide variant.
Coding change: c.2188A>G on transcript NM_001903.5 (MANE Select); coding-DNA position 2188, A replaced by G.
Protein change: p.Thr730Ala; replaces threonine 730 with alanine.
Molecular consequence: missense variant.
Genome position (GRCh38, 1-based): chr5:138,930,650, A>G. VCF-style: chr5-138930650-A-G. GRCh37 (hg19) VCF-style: chr5-138266339-A-G.
Other names: c.2188A>G, p.Thr730Ala (NM_001290307.3, NM_001323982.2, NM_001323983.1 and 2 more transcripts); c.1879A>G, p.Thr627Ala (NM_001290309.3); c.1819A>G, p.Thr607Ala (NM_001290310.3); c.1078A>G, p.Thr360Ala (NM_001290312.1, NM_001323987.1, NM_001323988.1 and 17 more transcripts); c.2095A>G, p.Thr699Ala (NM_001323986.2); c.739A>G, p.Thr247Ala (NM_001324006.1, NM_001324007.1, NM_001324008.1 and 2 more transcripts); c.985A>G, p.Thr329Ala (NM_001324011.1); c.835A>G, p.Thr279Ala (NM_001324012.1, NM_001324013.1); and 1 more; short protein forms T279A, T360A, T607A, T627A, T699A, T730A, T247A, T329A.
Identifiers: ClinVar variation 2047669 (VCV002047669.6), dbSNP rs2533851879, ClinGen allele CA361133724.
Genomic context (GRCh38, chr5:138,930,650, plus strand): 5'-AATGACATCATTGTGCTGGCCAAGCAGATGTGCATGATTATGATGGAGATGACAGACTTT[A>G]CCCGGTGAGCAGCACCCCGGCCCCACCAGGCTGCACAGGGGCTACTTTCTTCCCCACAGG-3'
Protein context (NP_001894.2, residues 720-740): CMIMMEMTDF[Thr730Ala]RGKGPLKNTS